The following is an entry in ClinVar:

NM_000346.4(SOX9):c.273G>T (p.Met91Ile)

Genes: SOX9 (SRY-box transcription factor 9; plus strand), LOC108021846 (SOX9 promoter region; plus strand). Cytogenetic location: 17q24.3.
Variant type: single nucleotide variant.
Coding change: c.273G>T on transcript NM_000346.4 (MANE Select); coding-DNA position 273, G replaced by T.
Protein change: p.Met91Ile; replaces methionine 91 with isoleucine.
Molecular consequence: missense variant.
Genome position (GRCh38, 1-based): chr17:72,121,664, G>T. VCF-style: chr17-72121664-G-T. GRCh37 (hg19) VCF-style: chr17-70117805-G-T.
Other names: c.273G>T (NM_000346.3); short protein forms M91I.
Identifiers: ClinVar variation 2154931 (VCV002154931.5), dbSNP rs755459350, ClinGen allele CA8738895.
Genomic context (GRCh38, chr17:72,121,664, plus strand): 5'-GTGCATCCGCGAGGCGGTCAGCCAGGTGCTCAAAGGCTACGACTGGACGCTGGTGCCCAT[G>T]CCGGTGCGCGTCAACGGCTCCAGCAAGAACAAGCCGCACGTCAAGCGGCCCATGAACGCC-3'
Protein context (NP_000337.1, residues 81-101): LKGYDWTLVP[Met91Ile]PVRVNGSSKN

ClinVar aggregate classification (germline): Uncertain significance. Review status: criteria provided, multiple submitters, no conflicts (2 of 4 stars). 2 submissions from 2 submitters: Uncertain significance (2). Last evaluated 2024-11-08.

Conditions:
Camptomelic dysplasia (CMPD). Also called: Campomelic Dysplasia; CMPD1/SRA1. Identifiers: Orphanet 140, MedGen C1861922, MONDO:0007251, OMIM 114290.
Inborn genetic diseases. Identifiers: MedGen C0950123, MeSH D030342.

Allele frequency attached by ClinVar (database versions not stated): gnomAD 0.00001; gnomAD exomes 0.00001; TOPMed 0.00001.
gnomAD v4.1: 6 of 1,600,228 alleles (0.00037%); highest among the groups gnomAD compares: Admixed American, 0.0086%; no homozygotes.

Submissions (2):

Ambry Genetics
Classification: Uncertain significance for Inborn genetic diseases. Last evaluated: 2024-11-08. Review status: criteria provided, single submitter. Criteria: Ambry Variant Classification Scheme 2023. Collection method: clinical testing. Allele origin: germline.

Labcorp Genetics (formerly Invitae), Labcorp
Classification: Uncertain significance for Camptomelic dysplasia. Last evaluated: 2022-09-24. Review status: criteria provided, single submitter. Criteria: Invitae Variant Classification Sherloc (09022015). Collection method: clinical testing. Allele origin: germline.
Comment: This sequence change replaces methionine, which is neutral and non-polar, with isoleucine, which is neutral and non-polar, at codon 91 of the SOX9 protein (p.Met91Ile). The frequency data for this variant in the population databases is considered unreliable, as metrics indicate poor data quality at this position in the gnomAD database. This variant has not been reported in the literature in individuals affected with SOX9-related conditions. Advanced modeling of protein sequence and biophysical properties (such as structural, functional, and spatial information, amino acid conservation, physicochemical variation, residue mobility, and thermodynamic stability) performed at Invitae indicates that this missense variant is expected to disrupt SOX9 protein function. In summary, the available evidence is currently insufficient to determine the role of this variant in disease. Therefore, it has been classified as a Variant of Uncertain Significance.